The following is an entry in ClinVar:

ClinVar aggregate classification (germline): Uncertain significance (1 of 4 stars; one submission).

Conditions:
Charcot-Marie-Tooth disease type 4B3. Also called: Charcot-Marie-Tooth Neuropathy Type 4B3; CHARCOT-MARIE-TOOTH DISEASE, DEMYELINATING, TYPE 4B3. Identifiers: Orphanet 363981, MedGen C3695063, MONDO:0014117, OMIM 615284.

gnomAD v4.1: 2 of 1,600,674 alleles (0.00012%); highest among the groups gnomAD compares: Non-Finnish European, 0.00017%; no homozygotes.

Submission:

ARUP Laboratories, Molecular Genetics and Genomics, ARUP Laboratories
Classification: Uncertain significance for Charcot-Marie-Tooth disease type 4B3. Last evaluated: 2025-06-05. Review status: criteria provided, single submitter. Criteria: ARUP Molecular Germline Variant Investigation Process 2024. Collection method: clinical testing. Allele origin: germline.
Comment: The SBF1 c.2824C>T; p.Pro942Ser variant (rs200220290), to our knowledge, is not reported in the medical literature or gene specific databases. This variant is also absent from the Genome Aggregation Database (v2.1.1), indicating it is not a common polymorphism. Computational analyses are uncertain whether this variant is neutral or deleterious (REVEL: 0.647). Due to limited information, the clinical significance of this variant is uncertain at this time.

NM_002972.4(SBF1):c.2824C>T (p.Pro942Ser)

Gene: SBF1 (SET binding factor 1; minus strand). Cytogenetic location: 22q13.33.
Variant type: single nucleotide variant.
Coding change: c.2824C>T on transcript NM_002972.4 (MANE Select); coding-DNA position 2824, C replaced by T.
Protein change: p.Pro942Ser; replaces proline 942 with serine.
Molecular consequence: missense variant.
Genome position (GRCh38, 1-based): chr22:50,461,538, G>A on the plus strand (C>T on the coding strand, the complement: SBF1 is on the minus strand). VCF-style: chr22-50461538-G-A. GRCh37 (hg19) VCF-style: chr22-50899967-G-A.
Other names: c.2827C>T, p.Pro943Ser (NM_001365819.1, NM_001410794.1); c.2824C>T, p.Pro942Ser (NM_001410795.1); short protein forms P942S, P943S.
Identifiers: ClinVar variation 4685863 (VCV004685863.1).